The following is an entry in ClinVar:

NM_005419.4(STAT2):c.429T>A (p.His143Gln)

Gene: STAT2 (signal transducer and activator of transcription 2; minus strand). Cytogenetic location: 12q13.3.
Variant type: single nucleotide variant.
Coding change: c.429T>A on transcript NM_005419.4 (MANE Select); coding-DNA position 429, T replaced by A.
Protein change: p.His143Gln; replaces histidine 143 with glutamine.
Molecular consequence: missense variant.
Genome position (GRCh38, 1-based): chr12:56,355,485, A>T on the plus strand (T>A on the coding strand, the complement: STAT2 is on the minus strand). VCF-style: chr12-56355485-A-T. GRCh37 (hg19) VCF-style: chr12-56749269-A-T.
Other names: c.417T>A, p.His139Gln (NM_198332.2); short protein forms H139Q, H143Q.
Identifiers: ClinVar variation 951576 (VCV000951576.9), dbSNP rs372975661, ClinGen allele CA6630871.

ClinVar aggregate classification (germline): Uncertain significance (1 of 4 stars; one submission).

Conditions:
Primary immunodeficiency with post-measles-mumps-rubella vaccine viral infection. Also called: Immunodeficiency 44. Identifiers: Orphanet 431166, MedGen C4225260, MONDO:0014715, OMIM 616636.

Allele frequency attached by ClinVar (database versions not stated): gnomAD exomes below 0.00001 and 0.00001; ExAC 0.00001; ESP Exome Variant Server 0.00008.
gnomAD v4.1: 12 of 1,613,762 alleles (0.00074%); highest among the groups gnomAD compares: Non-Finnish European, 0.001%; no homozygotes.

Submission:

Labcorp Genetics (formerly Invitae), Labcorp
Classification: Uncertain significance for Primary immunodeficiency with post-measles-mumps-rubella vaccine viral infection. Last evaluated: 2023-08-04. Review status: criteria provided, single submitter. Criteria: Invitae Variant Classification Sherloc (09022015). Collection method: clinical testing. Allele origin: germline.
Comment: This sequence change replaces histidine, which is basic and polar, with glutamine, which is neutral and polar, at codon 143 of the STAT2 protein (p.His143Gln). In summary, the available evidence is currently insufficient to determine the role of this variant in disease. Therefore, it has been classified as a Variant of Uncertain Significance. Advanced modeling of protein sequence and biophysical properties (such as structural, functional, and spatial information, amino acid conservation, physicochemical variation, residue mobility, and thermodynamic stability) performed at Invitae indicates that this missense variant is not expected to disrupt STAT2 protein function. ClinVar contains an entry for this variant (Variation ID: 951576). This variant has not been reported in the literature in individuals affected with STAT2-related conditions. This variant is present in population databases (rs372975661, gnomAD 0.007%).